The following is an entry in ClinVar:

ClinVar aggregate classification (germline): Conflicting classifications of pathogenicity. Review status: criteria provided, conflicting classifications (1 of 4 stars). 3 submissions from 3 submitters: Uncertain significance (1); Likely benign (2). Last evaluated 2024-08-21.

Conditions:
GRN-related frontotemporal lobar degeneration with Tdp43 inclusions (FTD2). Also called: GRN Frontotemporal Dementia; DEMENTIA, HEREDITARY DYSPHASIC DISINHIBITION; FRONTOTEMPORAL LOBAR DEGENERATION WITH UBIQUITIN-POSITIVE INCLUSIONS; FTLD-TDP, GRN-RELATED; FRONTOTEMPORAL DEMENTIA WITH TDP43 INCLUSIONS, GRN-RELATED. Identifiers: Orphanet 100070, Orphanet 282, MedGen C1843792, MONDO:0011842, OMIM 607485. Disease mechanism: loss of function.
Neuronal ceroid lipofuscinosis 11. Also called: GRN-Related Neuronal Ceroid-Lipofuscinosis. Identifiers: Orphanet 314629, Orphanet 79262, MedGen C3539123, MONDO:0013866, OMIM 614706.

Allele frequency attached by ClinVar (database versions not stated): gnomAD 0.00001; TOPMed 0.00001.

Submissions (3):

Blueprint Genetics
Classification: Likely benign. Last evaluated: 2024-08-21. Review status: criteria provided, single submitter. Criteria: ACMG Guidelines, 2015. Collection method: clinical testing. Allele origin: germline.

CeGaT Center for Human Genetics Tuebingen
Classification: Likely benign. Last evaluated: 2024-01-01. Review status: criteria provided, single submitter. Criteria: CeGaT Center For Human Genetics Tuebingen Variant Classification Criteria Version 2. Collection method: clinical testing. Allele origin: germline. Affected: yes. Observed: 1 variant allele.
Comment: GRN: BP4, BP7

Labcorp Genetics (formerly Invitae), Labcorp
Classification: Uncertain significance for Neuronal ceroid lipofuscinosis 11; GRN-related frontotemporal lobar degeneration with Tdp43 inclusions. Last evaluated: 2023-08-14. Review status: criteria provided, single submitter. Criteria: Invitae Variant Classification Sherloc (09022015). Collection method: clinical testing. Allele origin: germline.
Comment: This variant has not been reported in the literature in individuals affected with GRN-related conditions. Algorithms developed to predict the effect of sequence changes on RNA splicing suggest that this variant may disrupt the consensus splice site. In summary, the available evidence is currently insufficient to determine the role of this variant in disease. Therefore, it has been classified as a Variant of Uncertain Significance. This variant is present in population databases (no rsID available, gnomAD 0.005%). This sequence change affects codon 451 of the GRN mRNA. It is a 'silent' change, meaning that it does not change the encoded amino acid sequence of the GRN protein.

NM_002087.4(GRN):c.1353G>A (p.Pro451=)

Gene: GRN (granulin precursor; plus strand). Cytogenetic location: 17q21.31.
Variant type: single nucleotide variant.
Coding change: c.1353G>A on transcript NM_002087.4 (MANE Select); coding-DNA position 1353, G replaced by A.
Protein change: p.Pro451=; no amino-acid change (proline 451 retained).
Molecular consequence: synonymous variant.
Genome position (GRCh38, 1-based): chr17:44,352,188, G>A. VCF-style: chr17-44352188-G-A. GRCh37 (hg19) VCF-style: chr17-42429556-G-A.
Identifiers: ClinVar variation 2931901 (VCV002931901.26), dbSNP rs1402302242, ClinGen allele CA500622342.
Genomic context (GRCh38, chr17:44,352,188, plus strand): 5'-CCGCCGGGCTTCCTTATCCCACCCCAGAGACATCGGCTGTGACCAGCACACCAGCTGCCC[G>A]GTGGGGCAGACCTGCTGCCCGAGCCTGGGTGGGAGCTGGGCCTGCTGCCAGTTGCCCCAT-3'
Protein context (NP_002078.1, residues 441-461): DIGCDQHTSC[Pro451=]VGQTCCPSLG